The following is an entry in ClinVar:

NM_001903.5(CTNNA1):c.1342A>C (p.Lys448Gln)

Gene: CTNNA1 (catenin alpha 1; plus strand). Cytogenetic location: 5q31.2.
Variant type: single nucleotide variant.
Coding change: c.1342A>C on transcript NM_001903.5 (MANE Select); coding-DNA position 1342, A replaced by C.
Protein change: p.Lys448Gln; replaces lysine 448 with glutamine.
Molecular consequence: missense variant. On other transcripts: 5 prime UTR variant (6), intron variant (3).
Genome position (GRCh38, 1-based): chr5:138,904,394, A>C. VCF-style: chr5-138904394-A-C. GRCh37 (hg19) VCF-style: chr5-138240083-A-C.
Other names: c.1342A>C, p.Lys448Gln (NM_001290307.3, NM_001323982.2, NM_001323983.1 and 2 more transcripts); c.1033A>C, p.Lys345Gln (NM_001290309.3); c.973A>C, p.Lys325Gln (NM_001290310.3); c.232A>C, p.Lys78Gln (NM_001290312.1, NM_001323987.1, NM_001323988.1 and 17 more transcripts); c.-166A>C (NM_001324006.1, NM_001324007.1, NM_001324008.1 and 1 more transcripts); c.-12A>C (NM_001324012.1, NM_001324013.1); c.1297-13348A>C (NM_001323986.2); c.187-13348A>C (NM_001324011.1); and 1 more; short protein forms K325Q, K345Q, K448Q, K78Q.
Identifiers: ClinVar variation 1770386 (VCV001770386.2), dbSNP rs2533353370, ClinGen allele CA361135956.
Genomic context (GRCh38, chr5:138,904,394, plus strand): 5'-TTTTTATGTTTATAGGTTGCCAACTTGGCCTGTTCCATCTCAAATAATGAAGAAGGTGTA[A>C]AGCTTGTTCGAATGTCTGCAAGCCAGTTAGAAGCCCTCTGTCCTCAGGTAAAGTACAACT-3'
Protein context (NP_001894.2, residues 438-458): CSISNNEEGV[Lys448Gln]LVRMSASQLE

ClinVar aggregate classification (germline): Uncertain significance (1 of 4 stars; one submission).

Conditions:
Hereditary cancer-predisposing syndrome. Also called: Hereditary Cancer Syndrome; Hereditary neoplastic syndrome; Neoplastic Syndromes, Hereditary; Tumor predisposition. Identifiers: Orphanet 140162, MedGen C0027672, MeSH D009386, MONDO:0015356.

Submission:

Ambry Genetics
Classification: Uncertain significance for Hereditary cancer-predisposing syndrome. Last evaluated: 2022-03-01. Review status: criteria provided, single submitter. Criteria: Ambry Variant Classification Scheme 2023. Collection method: clinical testing. Allele origin: germline.
Comment: The p.K448Q variant (also known as c.1342A>C), located in coding exon 9 of the CTNNA1 gene, results from an A to C substitution at nucleotide position 1342. The lysine at codon 448 is replaced by glutamine, an amino acid with similar properties. This amino acid position is conserved. In addition, the in silico prediction for this alteration is inconclusive. Since supporting evidence is limited at this time, the clinical significance of this alteration remains unclear.